The following is an entry in ClinVar:

NM_201384.3(PLEC):c.2286C>G (p.Asp762Glu)

Gene: PLEC (plectin; minus strand). Cytogenetic location: 8q24.3.
Variant type: single nucleotide variant.
Coding change: c.2286C>G on transcript NM_201384.3 (MANE Select); coding-DNA position 2286, C replaced by G.
Protein change: p.Asp762Glu; replaces aspartic acid 762 with glutamic acid.
Molecular consequence: missense variant.
Genome position (GRCh38, 1-based): chr8:143,931,552, G>C on the plus strand (C>G on the coding strand, the complement: PLEC is on the minus strand). VCF-style: chr8-143931552-G-C. GRCh37 (hg19) VCF-style: chr8-145005720-G-C.
Other names: c.2190C>G, p.Asp730Glu (NM_201381.3); c.2286C>G, p.Asp762Glu (NM_201382.4); c.2298C>G, p.Asp766Glu (NM_201383.3); c.2367C>G, p.Asp789Glu (NM_000445.5); c.2244C>G, p.Asp748Glu (NM_201378.4); c.2220C>G, p.Asp740Glu (NM_201379.3); c.2697C>G, p.Asp899Glu (NM_201380.4); short protein forms D730E, D740E, D748E, D762E, D766E, D789E, D899E.
Identifiers: ClinVar variation 1053498 (VCV001053498.5), dbSNP rs1426887597, ClinGen allele CA372576184.

ClinVar aggregate classification (germline): Uncertain significance (1 of 4 stars; one submission).

Conditions:
Epidermolysis bullosa simplex 5B, with muscular dystrophy (EBS5B). Also called: Epidermolysis bullosa simplex with muscular dystrophy; EPIDERMOLYSIS BULLOSA SIMPLEX AND LIMB-GIRDLE MUSCULAR DYSTROPHY. Identifiers: Orphanet 257, MedGen C2931072, MONDO:0009181, OMIM 226670.
Epidermolysis bullosa simplex 5C, with pyloric atresia (EBS5C). Also called: Epidermolysis bullosa simplex with pyloric atresia; PLEC-Related Epidermolysis Bullosa with Pyloric Atresia; PLEC1-Related Epidermolysis Bullosa with Pyloric Atresia. Identifiers: Orphanet 158684, MedGen C2677349, MONDO:0012807, OMIM 612138.
Epidermolysis bullosa simplex, Ogna type (EBS5A). Also called: Pidermolysis bullosa simplex 5A, Ogna type; EPIDERMOLYSIS BULLOSA SIMPLEX 5A, OGNA TYPE. Identifiers: Orphanet 79401, MedGen C0432317, MONDO:0007555, OMIM 131950.
Autosomal recessive limb-girdle muscular dystrophy type 2Q (LGMDR17). Also called: MUSCULAR DYSTROPHY, LIMB-GIRDLE, AUTOSOMAL RECESSIVE 17. Identifiers: Orphanet 254361, MedGen C3150989, MONDO:0013390, OMIM 613723.
Epidermolysis bullosa simplex with nail dystrophy (EBS5D). Identifiers: MedGen C4225309, MONDO:0014661, OMIM 616487.

Submission:

Labcorp Genetics (formerly Invitae), Labcorp
Classification: Uncertain significance for Autosomal recessive limb-girdle muscular dystrophy type 2Q; Epidermolysis bullosa simplex, Ogna type; Epidermolysis bullosa simplex with nail dystrophy; Epidermolysis bullosa simplex 5C, with pyloric atresia; Epidermolysis bullosa simplex 5B, with muscular dystrophy. Last evaluated: 2022-06-20. Review status: criteria provided, single submitter. Criteria: Invitae Variant Classification Sherloc (09022015). Collection method: clinical testing. Allele origin: germline.
Comment: This variant has not been reported in the literature in individuals affected with PLEC-related conditions. This variant is not present in population databases (gnomAD no frequency). This sequence change replaces aspartic acid, which is acidic and polar, with glutamic acid, which is acidic and polar, at codon 789 of the PLEC protein (p.Asp789Glu). ClinVar contains an entry for this variant (Variation ID: 1053498). In summary, the available evidence is currently insufficient to determine the role of this variant in disease. Therefore, it has been classified as a Variant of Uncertain Significance. Algorithms developed to predict the effect of missense changes on protein structure and function are either unavailable or do not agree on the potential impact of this missense change (SIFT: "Deleterious"; PolyPhen-2: "Not Available"; Align-GVGD: "Class C35").